The following is an entry in ClinVar:

NM_001040142.2(SCN2A):c.34G>A (p.Asp12Asn)

Gene: SCN2A (sodium voltage-gated channel alpha subunit 2; plus strand). Cytogenetic location: 2q24.3.
Variant type: single nucleotide variant.
Coding change: c.34G>A on transcript NM_001040142.2 (MANE Select); coding-DNA position 34, G replaced by A.
Protein change: p.Asp12Asn; replaces aspartic acid 12 with asparagine.
Molecular consequence: missense variant.
Genome position (GRCh38, 1-based): chr2:165,295,857, G>A. VCF-style: chr2-165295857-G-A. GRCh37 (hg19) VCF-style: chr2-166152367-G-A.
Other names: c.34G>A, p.Asp12Asn (NM_001040143.2, NM_001371246.1, NM_001371247.1 and 1 more transcripts); short protein forms D12N.
Identifiers: ClinVar variation 1727249 (VCV001727249.2), dbSNP rs1696475965, ClinGen allele CA349009717.

Conditions:
Complex neurodevelopmental disorder. Identifiers: Orphanet 528084, MedGen C5568766, MONDO:0100038.

Submission:

Channelopathy-Associated Epilepsy Research Center
No classification provided (evidence only). Condition: Complex neurodevelopmental disorder. Review status: no classification provided. Collection method: literature only. Allele origin: not applicable. Functional consequence: Normal peak current, Normal voltage dependence of fast inactivation, Normal voltage dependence of activation, Acceleration of fast inactivation, Overall loss-of-function.
ClinVar note: "not provided" was previously submitted as the classification for the variant. However, the classification appeared to be based only on an observation of functional data so it was converted to no classification on 2025-07-30.

Literature cited by the submitters: PubMed 28256214.